The following is an entry in ClinVar:

NM_004260.4(RECQL4):c.3478G>C (p.Val1160Leu)

Gene: RECQL4 (RecQ like helicase 4; minus strand). Cytogenetic location: 8q24.3.
Variant type: single nucleotide variant.
Coding change: c.3478G>C on transcript NM_004260.4 (MANE Select); coding-DNA position 3478, G replaced by C.
Protein change: p.Val1160Leu; replaces valine 1160 with leucine.
Molecular consequence: missense variant.
Genome position (GRCh38, 1-based): chr8:144,511,705, C>G on the plus strand (G>C on the coding strand, the complement: RECQL4 is on the minus strand). VCF-style: chr8-144511705-C-G. GRCh37 (hg19) VCF-style: chr8-145737088-C-G.
Other names: short protein forms V1160L.
Identifiers: ClinVar variation 1009990 (VCV001009990.5), dbSNP rs1827238382, ClinGen allele CA372666670.

ClinVar aggregate classification (germline): Uncertain significance (1 of 4 stars; one submission).

Conditions:
Baller-Gerold syndrome (BGS). Also called: CRANIOSYNOSTOSIS WITH RADIAL DEFECTS. Identifiers: Orphanet 1225, MedGen C0265308, MONDO:0009039, OMIM 218600.

Allele frequency attached by ClinVar (database versions not stated): gnomAD exomes 0.00001.

Submission:

Labcorp Genetics (formerly Invitae), Labcorp
Classification: Uncertain significance for Baller-Gerold syndrome. Last evaluated: 2022-09-01. Review status: criteria provided, single submitter. Criteria: Invitae Variant Classification Sherloc (09022015). Collection method: clinical testing. Allele origin: germline.
Comment: ClinVar contains an entry for this variant (Variation ID: 1009990). This sequence change replaces valine, which is neutral and non-polar, with leucine, which is neutral and non-polar, at codon 1160 of the RECQL4 protein (p.Val1160Leu). This variant is not present in population databases (gnomAD no frequency). This variant has not been reported in the literature in individuals affected with RECQL4-related conditions. Experimental studies and prediction algorithms are not available or were not evaluated, and the functional significance of this variant is currently unknown. In summary, the available evidence is currently insufficient to determine the role of this variant in disease. Therefore, it has been classified as a Variant of Uncertain Significance.